The following is an entry in ClinVar:

NM_001105206.3(LAMA4):c.43C>T (p.Leu15Phe)

Genes: LAMA4 (laminin subunit alpha 4; minus strand), LAMA4-AS1 (LAMA4 antisense RNA 1; plus strand). Cytogenetic location: 6q21.
Variant type: single nucleotide variant.
Coding change: c.43C>T on transcript NM_001105206.3 (MANE Select); coding-DNA position 43, C replaced by T.
Protein change: p.Leu15Phe; replaces leucine 15 with phenylalanine.
Molecular consequence: missense variant.
Genome position (GRCh38, 1-based): chr6:112,254,108, G>A on the plus strand (C>T on the coding strand, the complement: LAMA4 is on the minus strand). VCF-style: chr6-112254108-G-A. GRCh37 (hg19) VCF-style: chr6-112575310-G-A.
Other names: c.43C>T, p.Leu15Phe (NM_001105207.3, NM_001105208.3, NM_001105209.3 and 1 more transcripts); short protein forms L15F.
Identifiers: ClinVar variation 2750007 (VCV002750007.3), dbSNP rs2482138848, ClinGen allele CA365518961.
Genomic context (GRCh38, chr6:112,254,108, plus strand): 5'-CAAAAGGAAAAGCGTTGTCGTCCCCGGACGCGGCGCGGGAGCAGGCAGCGCTCCAGAGGA[G>A]CCACAGAGGCAGAACCGAGCGCCAGGCTGAGCTCAAAGCCATTTCTCCGCTGACATCCAG-3'
Protein context (NP_001098676.2, residues 5-25): SAWRSVLPLW[Leu15Phe]LWSAACSRAA

ClinVar aggregate classification (germline): Uncertain significance (1 of 4 stars; one submission).

Conditions:
Dilated cardiomyopathy 1JJ (CMD1JJ). Identifiers: Orphanet 154, MedGen C3808935, MONDO:0014095, OMIM 615235.

Submission:

Labcorp Genetics (formerly Invitae), Labcorp
Classification: Uncertain significance for Dilated cardiomyopathy 1JJ. Last evaluated: 2024-01-02. Review status: criteria provided, single submitter. Criteria: Invitae Variant Classification Sherloc (09022015). Collection method: clinical testing. Allele origin: germline.
Comment: This sequence change replaces leucine, which is neutral and non-polar, with phenylalanine, which is neutral and non-polar, at codon 15 of the LAMA4 protein (p.Leu15Phe). This variant is not present in population databases (gnomAD no frequency). This variant has not been reported in the literature in individuals affected with LAMA4-related conditions. An algorithm developed to predict the effect of missense changes on protein structure and function (PolyPhen-2) suggests that this variant is likely to be tolerated. In summary, the available evidence is currently insufficient to determine the role of this variant in disease. Therefore, it has been classified as a Variant of Uncertain Significance.